The following is an entry in ClinVar:

ClinVar aggregate classification (germline): Likely benign. Review status: criteria provided, multiple submitters, no conflicts (2 of 4 stars). 4 submissions from 4 submitters: Likely benign (4). Last evaluated 2025-04-11.

Allele frequency attached by ClinVar (database versions not stated): gnomAD exomes 0.00007 and 0.00016; TOPMed 0.00012; gnomAD 0.00014 and 0.00016; 1000 Genomes Project 30x 0.00078; 1000 Genomes Project 0.00080.

Submissions (4):

Labcorp Genetics (formerly Invitae), Labcorp
Classification: Likely benign. Last evaluated: 2025-04-11. Review status: criteria provided, single submitter. Criteria: Invitae Variant Classification Sherloc (09022015). Collection method: clinical testing. Allele origin: germline.

Blueprint Genetics
Classification: Likely benign. Last evaluated: 2024-09-02. Review status: criteria provided, single submitter. Criteria: ACMG Guidelines, 2015. Collection method: clinical testing. Allele origin: germline.

Ambry Genetics
Classification: Likely benign. Last evaluated: 2024-03-18. Review status: criteria provided, single submitter. Criteria: Ambry Variant Classification Scheme 2023. Collection method: clinical testing. Allele origin: germline.

Laboratory for Molecular Medicine, Mass General Brigham Personalized Medicine
Classification: Likely benign. Last evaluated: 2013-09-28. Review status: criteria provided, single submitter. Criteria: LMM Criteria. Collection method: clinical testing. Allele origin: germline. Observed: 2 variant alleles.
Comment: Pro221Pro in Exon 7 of ESRRB: This variant is not expected to have clinical sign ificance because it does not alter an amino acid residue and is not located with in the splice consensus sequence.

NM_001379180.1(ESRRB):c.726G>A (p.Pro242=)

Gene: ESRRB (estrogen related receptor beta; plus strand). Cytogenetic location: 14q24.3.
Variant type: single nucleotide variant.
Coding change: c.726G>A on transcript NM_001379180.1 (MANE Select); coding-DNA position 726, G replaced by A.
Protein change: p.Pro242=; no amino-acid change (proline 242 retained).
Molecular consequence: synonymous variant.
Genome position (GRCh38, 1-based): chr14:76,482,635, G>A. VCF-style: chr14-76482635-G-A. GRCh37 (hg19) VCF-style: chr14-76948978-G-A.
Other names: c.663G>A, p.Pro221= (NM_004452.4).
Identifiers: ClinVar variation 179278 (VCV000179278.9), dbSNP rs370195063, ClinGen allele CA184105.
Genomic context (GRCh38, chr14:76,482,635, plus strand): 5'-CTTTCCCTCTTTGGTTGTTGCAGTGACCAAGATTGTCTCATACCTACTGGTGGCTGAGCC[G>A]GACAAGCTCTATGCCATGCCTCCCCCTGGTATGCCTGAGGGGGACATCAAGGCCCTGACC-3'
Protein context (NP_001366109.1, residues 232-252): KIVSYLLVAE[Pro242=]DKLYAMPPPG